The following is an entry in ClinVar:

NM_001267550.2(TTN):c.102020T>C (p.Val34007Ala)

Genes: TTN (titin; minus strand), TTN-AS1 (TTN antisense RNA 1; plus strand). Cytogenetic location: 2q31.2.
Variant type: single nucleotide variant.
Coding change: c.102020T>C on transcript NM_001267550.2 (MANE Select); coding-DNA position 102020, T replaced by C.
Protein change: p.Val34007Ala; replaces valine 34007 with alanine.
Molecular consequence: missense variant.
Genome position (GRCh38, 1-based): chr2:178,534,595, A>G on the plus strand (T>C on the coding strand, the complement: TTN is on the minus strand). VCF-style: chr2-178534595-A-G. GRCh37 (hg19) VCF-style: chr2-179399322-A-G.
Other names: c.97097T>C, p.Val32366Ala (NM_001256850.1); c.74825T>C, p.Val24942Ala (NM_003319.4); c.94316T>C, p.Val31439Ala (NM_133378.4); c.75200T>C, p.Val25067Ala (NM_133432.3); c.75401T>C, p.Val25134Ala (NM_133437.4); short protein forms V24942A, V25067A, V25134A, V31439A, V32366A, V34007A.
Identifiers: ClinVar variation 3750020 (VCV003750020.2).

ClinVar aggregate classification (germline): Uncertain significance (1 of 4 stars; one submission).

Conditions:
Autosomal recessive limb-girdle muscular dystrophy type 2J (LGMDR10). Also called: Limb-girdle muscular dystrophy, type 2J; MUSCULAR DYSTROPHY, LIMB-GIRDLE, AUTOSOMAL RECESSIVE 10. Identifiers: Orphanet 140922, MedGen C1837342, MONDO:0012127, OMIM 608807.
Dilated cardiomyopathy 1G (CMD1G). Identifiers: Orphanet 154, MedGen C1858763, MONDO:0011400, OMIM 604145.

gnomAD v4.1: 1 of 1,613,760 alleles (0.000062%); highest among the groups gnomAD compares: African/African-American, 0.0013%; no homozygotes.

Submission:

Labcorp Genetics (formerly Invitae), Labcorp
Classification: Uncertain significance for Dilated cardiomyopathy 1G; Autosomal recessive limb-girdle muscular dystrophy type 2J. Last evaluated: 2024-03-26. Review status: criteria provided, single submitter. Criteria: Invitae Variant Classification Sherloc (09022015). Collection method: clinical testing. Allele origin: germline.
Comment: This sequence change replaces valine, which is neutral and non-polar, with alanine, which is neutral and non-polar, at codon 34007 of the TTN protein (p.Val34007Ala). This variant is present in population databases (rs370702360, gnomAD 0.007%). This variant has not been reported in the literature in individuals affected with TTN-related conditions. Experimental studies and prediction algorithms are not available or were not evaluated, and the functional significance of this variant is currently unknown. This variant is located in the M band of TTN (PMID: 25589632). Non-truncating variants in this region may be relevant for neuromuscular disorders, but have not been definitively shown to cause cardiomyopathy (PMID: 23975875). In summary, the available evidence is currently insufficient to determine the role of this variant in disease. Therefore, it has been classified as a Variant of Uncertain Significance.

Literature cited by the submitters: PubMed 25589632; PubMed 23975875.